The following is an entry in ClinVar:

NM_025243.4(SLC19A3):c.1193T>G (p.Leu398Arg)

Gene: SLC19A3 (solute carrier family 19 member 3; minus strand). Cytogenetic location: 2q36.3.
Variant type: single nucleotide variant.
Coding change: c.1193T>G on transcript NM_025243.4 (MANE Select); coding-DNA position 1193, T replaced by G.
Protein change: p.Leu398Arg; replaces leucine 398 with arginine.
Molecular consequence: missense variant.
Genome position (GRCh38, 1-based): chr2:227,688,287, A>C on the plus strand (T>G on the coding strand, the complement: SLC19A3 is on the minus strand). VCF-style: chr2-227688287-A-C. GRCh37 (hg19) VCF-style: chr2-228553003-A-C.
Other names: short protein forms L398R.
Identifiers: ClinVar variation 578728 (VCV000578728.9), dbSNP rs1559242521, ClinGen allele CA350875578.
Genomic context (GRCh38, chr2:227,688,287, plus strand): 5'-TGAATCACCAAGGCAATAAAGGTGTTGATTCCAAATACCAAGGCATAGCGTTCCACATTC[A>C]GATTAACTGCAATCTGAAATCTATCATTAAACATAAATAAGCATTTTAACTATAATATAC-3'
Protein context (NP_079519.1, residues 388-408): TIAVFQIAVN[Leu398Arg]NVERYALVFG

ClinVar aggregate classification (germline): Uncertain significance (1 of 4 stars; one submission).

Conditions:
Biotin-responsive basal ganglia disease (BTBGD). Also called: Thiamine metabolism dysfunction syndrome 2 (biotin- or thiamine-responsive encephalopathy type 2); thiamine-responsive encephalopathy; THIAMINE METABOLISM DYSFUNCTION SYNDROME 2 (BIOTIN- AND THIAMINE-RESPONSIVE TYPE); Thiamine metabolism dysfunction syndrome type 2; Thiamine Transporter-2 Deficiency. Identifiers: Orphanet 199348, Orphanet 65284, MedGen C1843807, MONDO:0011841, OMIM 607483.

Submission:

Labcorp Genetics (formerly Invitae), Labcorp
Classification: Uncertain significance for Biotin-responsive basal ganglia disease. Last evaluated: 2018-05-29. Review status: criteria provided, single submitter. Criteria: Invitae Variant Classification Sherloc (09022015). Collection method: clinical testing. Allele origin: germline.
Comment: This sequence change replaces leucine with arginine at codon 398 of the SLC19A3 protein (p.Leu398Arg). The leucine residue is highly conserved and there is a moderate physicochemical difference between leucine and arginine. This variant is not present in population databases (ExAC no frequency). This variant has not been reported in the literature in individuals with SLC19A3-related disease. Algorithms developed to predict the effect of missense changes on protein structure and function are either unavailable or do not agree on the potential impact of this missense change (SIFT: "Deleterious"; PolyPhen-2: "Probably Damaging"; Align-GVGD: "Class C0"). In summary, the available evidence is currently insufficient to determine the role of this variant in disease. Therefore, it has been classified as a Variant of Uncertain Significance.